The following is an entry in ClinVar:

ClinVar aggregate classification (germline): Pathogenic (1 of 4 stars; one submission).

Submission:

Labcorp Genetics (formerly Invitae), Labcorp
Classification: Pathogenic. Last evaluated: 2022-08-16. Review status: criteria provided, single submitter. Criteria: Invitae Variant Classification Sherloc (09022015). Collection method: clinical testing. Allele origin: germline.
Comment: For these reasons, this variant has been classified as Pathogenic. ClinVar contains an entry for this variant (Variation ID: 1389406). This variant has not been reported in the literature in individuals affected with SON-related conditions. This variant is not present in population databases (gnomAD no frequency). This sequence change creates a premature translational stop signal (p.Leu1632*) in the SON gene. It is expected to result in an absent or disrupted protein product. Loss-of-function variants in SON are known to be pathogenic (PMID: 27545676, 27545680).

Literature cited by the submitters: PubMed 27545676; PubMed 27545680.

NM_138927.4(SON):c.4895T>G (p.Leu1632Ter)

Gene: SON (SON DNA and RNA binding protein; plus strand). Cytogenetic location: 21q22.11.
Variant type: single nucleotide variant.
Coding change: c.4895T>G on transcript NM_138927.4 (MANE Select); coding-DNA position 4895, T replaced by G.
Protein change: p.Leu1632Ter; replaces leucine 1632 with a stop codon.
Molecular consequence: nonsense. On other transcripts: non-coding transcript variant (1), intron variant (1).
Genome position (GRCh38, 1-based): chr21:33,554,126, T>G. VCF-style: chr21-33554126-T-G. GRCh37 (hg19) VCF-style: chr21-34926432-T-G.
Other names: c.4895T>G, p.Leu1632Ter (NM_001291411.2, NM_032195.3); c.245-3030T>G (NM_001291412.3); short protein forms L1632*.
Identifiers: ClinVar variation 1389406 (VCV001389406.6), dbSNP rs2145835587, ClinGen allele CA410163611.